The following is an entry in ClinVar:

ClinVar aggregate classification (germline): Uncertain significance (1 of 4 stars; one submission).

Conditions:
Severe combined immunodeficiency, autosomal recessive, T cell-negative, B cell-negative, NK cell-positive. Also called: SCID, T CELL-NEGATIVE, B CELL-NEGATIVE, NK CELL-POSITIVE; SCID, AR, T-cell negative, B-cell negative, NK cell-positive; Severe combined immunodeficiency due to complete RAG1/2 deficiency. Identifiers: Orphanet 331206, MedGen C1832322, MONDO:0011086, OMIM 601457.
Combined immunodeficiency with skin granulomas. Identifiers: Orphanet 157949, MedGen C2673536, MONDO:0009306, OMIM 233650.

Allele frequency attached by ClinVar (database versions not stated): gnomAD exomes 0.00009; ExAC 0.00011; 1000 Genomes Project 30x 0.00016; 1000 Genomes Project 0.00020; TOPMed 0.00021; gnomAD 0.00022 and 0.00024; ESP Exome Variant Server 0.00038.
gnomAD v4.1: 70 of 1,613,996 alleles (0.0043%); highest among the groups gnomAD compares: African/African-American, 0.064%; no homozygotes.

Submission:

Labcorp Genetics (formerly Invitae), Labcorp
Classification: Uncertain significance for Combined immunodeficiency with skin granulomas; Severe combined immunodeficiency, autosomal recessive, T cell-negative, B cell-negative, NK cell-positive. Last evaluated: 2022-09-01. Review status: criteria provided, single submitter. Criteria: Invitae Variant Classification Sherloc (09022015). Collection method: clinical testing. Allele origin: germline.
Comment: This sequence change replaces threonine, which is neutral and polar, with methionine, which is neutral and non-polar, at codon 925 of the RAG1 protein (p.Thr925Met). This variant is present in population databases (rs144893101, gnomAD 0.07%). This variant has not been reported in the literature in individuals affected with RAG1-related conditions. ClinVar contains an entry for this variant (Variation ID: 572258). Advanced modeling of protein sequence and biophysical properties (such as structural, functional, and spatial information, amino acid conservation, physicochemical variation, residue mobility, and thermodynamic stability) performed at Invitae indicates that this missense variant is expected to disrupt RAG1 protein function. Algorithms developed to predict the effect of sequence changes on RNA splicing suggest that this variant may disrupt the consensus splice site. In summary, the available evidence is currently insufficient to determine the role of this variant in disease. Therefore, it has been classified as a Variant of Uncertain Significance.

NM_000448.3(RAG1):c.2774C>T (p.Thr925Met)

Gene: RAG1 (recombination activating 1; plus strand). Cytogenetic location: 11p12.
Variant type: single nucleotide variant.
Coding change: c.2774C>T on transcript NM_000448.3 (MANE Select); coding-DNA position 2774, C replaced by T.
Protein change: p.Thr925Met; replaces threonine 925 with methionine.
Molecular consequence: missense variant.
Genome position (GRCh38, 1-based): chr11:36,576,078, C>T. VCF-style: chr11-36576078-C-T. GRCh37 (hg19) VCF-style: chr11-36597628-C-T.
Other names: c.2774C>T, p.Thr925Met (NM_001377277.1, NM_001377278.1, NM_001377279.1 and 1 more transcripts); short protein forms T925M.
Identifiers: ClinVar variation 572258 (VCV000572258.6), dbSNP rs144893101, ClinGen allele CA5950321.
Genomic context (GRCh38, chr11:36,576,078, plus strand): 5'-GCCCAGAATCCCTCTGCCAGTACAGTTTCAATTCACAGCGTTTTGCTGAGCTCCTTTCTA[C>T]GAAGTTCAAGTATAGGTATGAGGGAAAAATCACCAATTATTTTCACAAAACCCTGGCCCA-3'
Protein context (NP_000439.2, residues 915-935): NSQRFAELLS[Thr925Met]KFKYRYEGKI